The following is an entry in ClinVar:

ClinVar aggregate classification (germline): Pathogenic. Review status: criteria provided, single submitter (1 of 4 stars). 2 submissions from 2 submitters: Pathogenic (1). 1 of the submissions does not count toward it. Last evaluated 2024-11-17.

Conditions:
COL6A1-related disorder. Also called: COL6A1-related condition.
Bethlem myopathy 1A. Also called: Bethlem Muscular Dystrophy; MYOPATHY, BENIGN CONGENITAL, WITH CONTRACTURES; Bethlem myopathy 1. Identifiers: Orphanet 610, MedGen CN029274, MONDO:0024530, OMIM 158810.

Allele frequency attached by ClinVar (database versions not stated): gnomAD 0.00001; gnomAD exomes 0.00001.

Submissions (2):

Labcorp Genetics (formerly Invitae), Labcorp
Classification: Pathogenic for Bethlem myopathy 1A. Last evaluated: 2024-11-17. Review status: criteria provided, single submitter. Criteria: Invitae Variant Classification Sherloc (09022015). Collection method: clinical testing. Allele origin: germline.
Comment: This sequence change creates a premature translational stop signal (p.Arg82*) in the COL6A1 gene. It is expected to result in an absent or disrupted protein product. Loss-of-function variants in COL6A1 are known to be pathogenic (PMID: 19884007, 20976770). The frequency data for this variant in the population databases is considered unreliable, as metrics indicate poor data quality at this position in the gnomAD database. This variant has not been reported in the literature in individuals affected with COL6A1-related conditions. ClinVar contains an entry for this variant (Variation ID: 1375454). For these reasons, this variant has been classified as Pathogenic.

PreventionGenetics, part of Exact Sciences
Classification: Likely pathogenic for COL6A1-related condition. Last evaluated: 2024-05-29. Review status: no assertion criteria provided. Collection method: clinical testing. Allele origin: germline. Not counted in ClinVar's aggregate classification.
Comment: The COL6A1 c.244C>T variant is predicted to result in premature protein termination (p.Arg82*). To our knowledge, this variant has not been reported in individuals with COL6A1-related disorders. This variant is reported in 0.0018% of alleles in individuals of European (non-Finnish) descent in gnomAD. Nonsense variants in COL6A1 are expected to be pathogenic. This variant is interpreted as likely pathogenic for autosomal recessive COL6A1-related disorders.

Literature cited by the submitters: PubMed 19884007 (cited by Labcorp Genetics (formerly Invitae), Labcorp); PubMed 20976770 (cited by Labcorp Genetics (formerly Invitae), Labcorp).

NM_001848.3(COL6A1):c.244C>T (p.Arg82Ter)

Gene: COL6A1 (collagen type VI alpha 1 chain; plus strand). Cytogenetic location: 21q22.3.
Variant type: single nucleotide variant.
Coding change: c.244C>T on transcript NM_001848.3 (MANE Select); coding-DNA position 244, C replaced by T.
Protein change: p.Arg82Ter; replaces arginine 82 with a stop codon.
Molecular consequence: nonsense.
Genome position (GRCh38, 1-based): chr21:45,984,285, C>T. VCF-style: chr21-45984285-C-T. GRCh37 (hg19) VCF-style: chr21-47404199-C-T.
Other names: c.244C>T (NM_001848.2); short protein forms R82*.
Identifiers: ClinVar variation 1375454 (VCV001375454.8), dbSNP rs1422385556, ClinGen allele CA410515755.